The following is an entry in ClinVar:

NM_000321.3(RB1):c.1759G>T (p.Glu587Ter)

Gene: RB1 (RB transcriptional corepressor 1; plus strand). Cytogenetic location: 13q14.2.
Variant type: single nucleotide variant.
Coding change: c.1759G>T on transcript NM_000321.3 (MANE Select); coding-DNA position 1759, G replaced by T.
Protein change: p.Glu587Ter; replaces glutamic acid 587 with a stop codon.
Molecular consequence: nonsense.
Genome position (GRCh38, 1-based): chr13:48,453,056, G>T. VCF-style: chr13-48453056-G-T. GRCh37 (hg19) VCF-style: chr13-49027192-G-T.
Other names: c.1759G>T, p.Glu587Ter (NM_001407165.1); short protein forms E587*.
Identifiers: ClinVar variation 3636708 (VCV003636708.2).

ClinVar aggregate classification (germline): Pathogenic (1 of 4 stars; one submission).

Conditions:
Retinoblastoma (RB1). Also called: RETINOBLASTOMA, SOMATIC. Identifiers: Orphanet 790, MedGen C0035335, MeSH D012175, MONDO:0008380, OMIM 180200, HP:0009919. Disease mechanism: loss of function. Inheritance: Both sporadic and heritable forms are tested..

Submission:

Labcorp Genetics (formerly Invitae), Labcorp
Classification: Pathogenic for Retinoblastoma. Last evaluated: 2024-02-15. Review status: criteria provided, single submitter. Criteria: Invitae Variant Classification Sherloc (09022015). Collection method: clinical testing. Allele origin: germline.
Comment: This sequence change creates a premature translational stop signal (p.Glu587*) in the RB1 gene. It is expected to result in an absent or disrupted protein product. Loss-of-function variants in RB1 are known to be pathogenic (PMID: 17096365). This variant is not present in population databases (gnomAD no frequency). This variant has not been reported in the literature in individuals affected with RB1-related conditions. For these reasons, this variant has been classified as Pathogenic.

Literature cited by the submitters: PubMed 17096365.